The following is an entry in ClinVar:

NM_000375.3(UROS):c.512T>G (p.Val171Gly)

Gene: UROS (uroporphyrinogen III synthase; minus strand). Cytogenetic location: 10q26.2.
Variant type: single nucleotide variant.
Coding change: c.512T>G on transcript NM_000375.3 (MANE Select); coding-DNA position 512, T replaced by G.
Protein change: p.Val171Gly; replaces valine 171 with glycine.
Molecular consequence: missense variant. On other transcripts: non-coding transcript variant (4).
Genome position (GRCh38, 1-based): chr10:125,796,152, A>C on the plus strand (T>G on the coding strand, the complement: UROS is on the minus strand). VCF-style: chr10-125796152-A-C. GRCh37 (hg19) VCF-style: chr10-127484721-A-C.
Other names: c.512T>G, p.Val171Gly (NM_001324036.2); c.431T>G, p.Val144Gly (NM_001324037.2, NM_001324038.2); short protein forms V171G, V144G.
Identifiers: ClinVar variation 299188 (VCV000299188.15), dbSNP rs17173752, ClinGen allele CA5738414.

ClinVar aggregate classification (germline): Benign. Review status: criteria provided, multiple submitters, no conflicts (2 of 4 stars). 4 submissions from 4 submitters: Benign (4). Last evaluated 2026-01-24.

Conditions:
Congenital erythropoietic porphyria. Also called: GUNTHER DISEASE; UROS DEFICIENCY; Cutaneous porphyria; Congenital porphyria; Günther disease; Uroporphyrinogen III synthase, deficiency of. Identifiers: Orphanet 79277, MedGen C5886774, MONDO:0009902, OMIM 263700.

Allele frequency attached by ClinVar (database versions not stated): TOPMed 0.00524; 1000 Genomes Project 30x 0.01765; 1000 Genomes Project 0.01837; ESP Exome Variant Server 0.00062.

Submissions (14):

Labcorp Genetics (formerly Invitae), Labcorp
Classification: Benign. Last evaluated: 2026-01-24. Review status: criteria provided, single submitter. Criteria: Invitae Variant Classification Sherloc (09022015). Collection method: clinical testing. Allele origin: germline.

Mayo Clinic Laboratories, Mayo Clinic
Classification: Benign. Last evaluated: 2025-06-05. Review status: criteria provided, single submitter. Criteria: ACMG Guidelines, 2015. Collection method: clinical testing. Allele origin: germline. Observed: 1 variant allele.

Illumina Laboratory Services, Illumina
Classification: Benign for Congenital erythropoietic porphyria. Last evaluated: 2018-01-13. Review status: criteria provided, single submitter. Criteria: ICSL Variant Classification Criteria 13 December 2019. Collection method: clinical testing. Allele origin: germline.
Comment: This variant was observed in the ICSL laboratory as part of a predisposition screen in an ostensibly healthy population. It had not been previously curated by ICSL or reported in the Human Gene Mutation Database (HGMD: prior to June 1st, 2018), and was therefore a candidate for classification through an automated scoring system. Utilizing variant allele frequency, disease prevalence and penetrance estimates, and inheritance mode, an automated score was calculated to assess if this variant is too frequent to cause the disease. Based on the score and internal cut-off values, a variant classified as benign is not then subjected to further curation. The score for this variant resulted in a classification of benign for this disease.

Breakthrough Genomics
Classification: Benign. Review status: criteria provided, single submitter. Criteria: ACMG Guidelines, 2015. Collection method: not provided. Allele origin: germline. Inheritance: Autosomal recessive inheritance. Affected: yes.

Dr. Peter K. Rogan Lab, Western University
No classification provided (evidence only). Condition: Lung cancer. Review status: no classification provided. Collection method: in vitro. Allele origin: not applicable. Functional consequence: retained intron. Not counted in ClinVar's aggregate classification.

Dr. Peter K. Rogan Lab, Western University
No classification provided (evidence only). Condition: Familial cancer of breast. Review status: no classification provided. Collection method: in vitro. Allele origin: not applicable. Functional consequence: retained intron. Not counted in ClinVar's aggregate classification.

Dr. Peter K. Rogan Lab, Western University
No classification provided (evidence only). Condition: Thyroid cancer, nonmedullary, 1. Review status: no classification provided. Collection method: in vitro. Allele origin: not applicable. Functional consequence: retained intron. Not counted in ClinVar's aggregate classification.

Dr. Peter K. Rogan Lab, Western University
No classification provided (evidence only). Condition: Ovarian serous cystadenocarcinoma. Review status: no classification provided. Collection method: in vitro. Allele origin: not applicable. Functional consequence: retained intron. Not counted in ClinVar's aggregate classification.

Dr. Peter K. Rogan Lab, Western University
No classification provided (evidence only). Condition: Ovarian serous cystadenocarcinoma. Review status: no classification provided. Collection method: in vitro. Allele origin: not applicable. Functional consequence: retained intron. Not counted in ClinVar's aggregate classification.

Dr. Peter K. Rogan Lab, Western University
No classification provided (evidence only). Condition: Gastric cancer. Review status: no classification provided. Collection method: in vitro. Allele origin: not applicable. Functional consequence: retained intron. Not counted in ClinVar's aggregate classification.

Dr. Peter K. Rogan Lab, Western University
No classification provided (evidence only). Condition: Gastric cancer. Review status: no classification provided. Collection method: in vitro. Allele origin: not applicable. Functional consequence: retained intron. Not counted in ClinVar's aggregate classification.

Dr. Peter K. Rogan Lab, Western University
No classification provided (evidence only). Condition: Gastric cancer. Review status: no classification provided. Collection method: in vitro. Allele origin: not applicable. Functional consequence: retained intron. Not counted in ClinVar's aggregate classification.

Dr. Peter K. Rogan Lab, Western University
No classification provided (evidence only). Condition: Gastric cancer. Review status: no classification provided. Collection method: in vitro. Allele origin: not applicable. Functional consequence: retained intron. Not counted in ClinVar's aggregate classification.

Dr. Peter K. Rogan Lab, Western University
No classification provided (evidence only). Condition: Malignant tumor of esophagus. Review status: no classification provided. Collection method: in vitro. Allele origin: not applicable. Functional consequence: retained intron. Not counted in ClinVar's aggregate classification.